The following is an entry in ClinVar:

ClinVar aggregate classification (germline): Uncertain significance (1 of 4 stars; one submission).

Conditions:
Perlman syndrome (PRLMNS). Identifiers: Orphanet 2849, MedGen C0796113, MONDO:0009965, OMIM 267000.

Allele frequency attached by ClinVar (database versions not stated): gnomAD 0.00001.
gnomAD v4.1: 1 of 1,612,628 alleles (0.000062%); highest among the groups gnomAD compares: African/African-American, 0.0013%; no homozygotes.

Submission:

Labcorp Genetics (formerly Invitae), Labcorp
Classification: Uncertain significance for Perlman syndrome. Last evaluated: 2023-01-10. Review status: criteria provided, single submitter. Criteria: Invitae Variant Classification Sherloc (09022015). Collection method: clinical testing. Allele origin: germline.
Comment: Advanced modeling of protein sequence and biophysical properties (such as structural, functional, and spatial information, amino acid conservation, physicochemical variation, residue mobility, and thermodynamic stability) performed at Invitae indicates that this missense variant is not expected to disrupt DIS3L2 protein function. ClinVar contains an entry for this variant (Variation ID: 1521280). This variant has not been reported in the literature in individuals affected with DIS3L2-related conditions. This variant is not present in population databases (gnomAD no frequency). This sequence change replaces aspartic acid, which is acidic and polar, with asparagine, which is neutral and polar, at codon 682 of the DIS3L2 protein (p.Asp682Asn). In summary, the available evidence is currently insufficient to determine the role of this variant in disease. Therefore, it has been classified as a Variant of Uncertain Significance.

NM_152383.5(DIS3L2):c.2044G>A (p.Asp682Asn)

Gene: DIS3L2 (DIS3 like 3'-5' exoribonuclease 2; plus strand). Cytogenetic location: 2q37.1.
Variant type: single nucleotide variant.
Coding change: c.2044G>A on transcript NM_152383.5 (MANE Select); coding-DNA position 2044, G replaced by A.
Protein change: p.Asp682Asn; replaces aspartic acid 682 with asparagine.
Molecular consequence: missense variant. On other transcripts: non-coding transcript variant (2), intron variant (1).
Genome position (GRCh38, 1-based): chr2:232,333,873, G>A. VCF-style: chr2-232333873-G-A. GRCh37 (hg19) VCF-style: chr2-233198583-G-A.
Other names: c.1582-9472G>A (NM_001257281.2); short protein forms D682N.
Identifiers: ClinVar variation 1521280 (VCV001521280.6), dbSNP rs1695848166, ClinGen allele CA350977358.
Genomic context (GRCh38, chr2:232,333,873, plus strand): 5'-CAGGCTCTGACCCATCCCGTCCCGCAGATGGCACTGTACTTCTGCTCGGGGCTGCTGCAG[G>A]ACCCAGCGCAGTTCCGGCACTACGCGCTCAATGTGCCCCTGTACACACACTTCACCTCGC-3'
Protein context (NP_689596.4, residues 672-692): ALYFCSGLLQ[Asp682Asn]PAQFRHYALN